The following is an entry in ClinVar:

NM_000256.3(MYBPC3):c.3223A>G (p.Thr1075Ala)

Gene: MYBPC3 (myosin binding protein C3; minus strand). Cytogenetic location: 11p11.2.
Variant type: single nucleotide variant.
Coding change: c.3223A>G on transcript NM_000256.3 (MANE Select); coding-DNA position 3223, A replaced by G.
Protein change: p.Thr1075Ala; replaces threonine 1075 with alanine.
Molecular consequence: missense variant.
Genome position (GRCh38, 1-based): chr11:47,333,301, T>C on the plus strand (A>G on the coding strand, the complement: MYBPC3 is on the minus strand). VCF-style: chr11-47333301-T-C. GRCh37 (hg19) VCF-style: chr11-47354852-T-C.
Other names: c.3223A>G, p.Thr1075Ala (LRG_386t1); short protein forms T1075A.
Identifiers: ClinVar variation 429967 (VCV000429967.17), dbSNP rs767927162, ClinGen allele CA079231.

ClinVar aggregate classification (germline): Conflicting classifications of pathogenicity. Review status: criteria provided, conflicting classifications (1 of 4 stars). 7 submissions from 7 submitters: Uncertain significance (6); Likely benign (1). Last evaluated 2026-05-19.

Conditions:
MYBPC3-related disorder. Also called: MYBPC3-related disorders; MYBPC3-related condition; MYBPC3-related disease.
Cardiovascular phenotype. Identifiers: MedGen CN230736.
Cardiomyopathy (CMYO). Also called: Cardiomyopathies. Identifiers: Orphanet 167848, MedGen C0878544, MONDO:0004994, HP:0001638. Inheritance: Various modes of inheritance.
Hypertrophic cardiomyopathy. Also called: HYPERTROPHIC MYOCARDIOPATHY. Identifiers: Orphanet 217569, MedGen C0007194, MeSH D002312, MONDO:0005045, HP:0001639.

Allele frequency attached by ClinVar (database versions not stated): gnomAD 0.00001; gnomAD exomes 0.00002 and 0.00003; TOPMed 0.00003; ExAC 0.00005.
gnomAD v4.1: 12 of 1,590,064 alleles (0.00075%); highest among the groups gnomAD compares: Admixed American, 0.021%; no homozygotes.

Submissions (7):

PreventionGenetics, part of Exact Sciences
Classification: Uncertain significance for MYBPC3-related condition. Last evaluated: 2026-05-19. Review status: criteria provided, single submitter. Criteria: ACMG Guidelines, 2015. Collection method: clinical testing. Allele origin: germline.
Comment: The MYBPC3 c.3223A>G variant is predicted to result in the amino acid substitution p.Thr1075Ala. To our knowledge, this variant has not been reported in the literature. This variant is reported in 0.023% of alleles in individuals of Latino descent in gnomAD. At this time, the clinical significance of this variant is uncertain due to the absence of conclusive functional and genetic evidence.

Ambry Genetics
Classification: Likely benign for Cardiovascular phenotype. Last evaluated: 2025-07-22. Review status: criteria provided, single submitter. Criteria: Ambry Variant Classification Scheme 2023. Collection method: clinical testing. Allele origin: germline.

Labcorp Genetics (formerly Invitae), Labcorp
Classification: Uncertain significance for Hypertrophic cardiomyopathy. Last evaluated: 2025-06-01. Review status: criteria provided, single submitter. Criteria: Invitae Variant Classification Sherloc (09022015). Collection method: clinical testing. Allele origin: germline.
Comment: This sequence change replaces threonine, which is neutral and polar, with alanine, which is neutral and non-polar, at codon 1075 of the MYBPC3 protein (p.Thr1075Ala). This variant is present in population databases (rs767927162, gnomAD 0.02%). This variant has not been reported in the literature in individuals affected with MYBPC3-related conditions. ClinVar contains an entry for this variant (Variation ID: 429967). An algorithm developed to predict the effect of missense changes on protein structure and function outputs the following: PolyPhen-2: "Benign". The alanine amino acid residue is found in multiple mammalian species, which suggests that this missense change does not adversely affect protein function. In summary, the available evidence is currently insufficient to determine the role of this variant in disease. Therefore, it has been classified as a Variant of Uncertain Significance.

All of Us Research Program, National Institutes of Health
Classification: Uncertain significance for Hypertrophic cardiomyopathy. Last evaluated: 2024-09-23. Review status: criteria provided, single submitter. Criteria: ACMG Guidelines, 2015. Collection method: clinical testing. Allele origin: germline. Inheritance: Autosomal dominant inheritance. Observed: 6 variant alleles, 6 heterozygotes.
Comment: This missense variant replaces threonine with alanine at codon 1075 of the MYBPC3 protein. Computational prediction suggests that this variant may not impact protein structure and function (internally defined REVEL score threshold <= 0.5, PMID: 27666373). Splice site prediction tools suggest that this variant may not impact RNA splicing. To our knowledge, functional studies have not been reported for this variant. This variant has not been reported in individuals affected with cardiovascular disorders in the literature. This variant has been identified in 7/210346 chromosomes in the general population by the Genome Aggregation Database (gnomAD). The available evidence is insufficient to determine the role of this variant in disease conclusively. Therefore, this variant is classified as a Variant of Uncertain Significance.

This study involves interpretation of variants in research participants for the purpose of population health screening. Participant phenotype was not available at the time of variant classification. Additional details can be found in publication PMID: 35346344, PMCID: PMC8962531

ARUP Laboratories, Molecular Genetics and Genomics, ARUP Laboratories
Classification: Uncertain significance. Last evaluated: 2023-09-28. Review status: criteria provided, single submitter. Criteria: ARUP Molecular Germline Variant Investigation Process 2024. Collection method: clinical testing. Allele origin: germline.
Comment: The MYBPC3 c.3223A>G; p.Thr1075Ala variant (rs767927162), to our knowledge, is not reported in the medical literature but is reported in ClinVar (Variation ID: 429967). This variant is found in the Latino/Admixed American population with an allele frequency of 0.023% (7/30528 alleles) in the Genome Aggregation Database. Computational analyses predict that this variant is neutral (REVEL: 0.085). Due to limited information, the clinical significance of this variant is uncertain at this time.

Color Diagnostics, LLC DBA Color Health
Classification: Uncertain significance for Cardiomyopathy. Last evaluated: 2023-03-07. Review status: criteria provided, single submitter. Criteria: ACMG Guidelines, 2015. Collection method: clinical testing. Allele origin: germline.
Comment: This missense variant replaces threonine with alanine at codon 1075 of the MYBPC3 protein. Computational prediction suggests that this variant may not impact protein structure and function (internally defined REVEL score threshold <= 0.5, PMID: 27666373). To our knowledge, functional studies have not been reported for this variant. This variant has not been reported in individuals affected with MYBPC3-related disorders in the literature. This variant has been identified in 7/210346 chromosomes in the general population by the Genome Aggregation Database (gnomAD). The available evidence is insufficient to determine the role of this variant in disease conclusively. Therefore, this variant is classified as a Variant of Uncertain Significance.

GeneDx
Classification: Uncertain significance. Last evaluated: 2017-05-15. Review status: criteria provided, single submitter. Criteria: GeneDx Variant Classification (06012015). Collection method: clinical testing. Allele origin: germline. Affected: yes.
Comment: A variant of uncertain significance has been identified in the MYBPC3 gene. The T1075A variant has not been published as pathogenic or been reported as benign to our knowledge. This variant is not observed at a significant frequency in large population cohorts (Lek et al., 2016; 1000 Genomes Consortium et al., 2015; Exome Variant Server). The T1075A variant is a non-conservative amino acid substitution, which is likely to impact secondary protein structure as these residues differ in polarity, charge, size and/or other properties. However, this substitution occurs at a position that is not conserved across species and alanine (A) is the wild-type residue at this position in multiple mammalian species. In silico analysis predicts this variant likely does not alter the protein structure/function.